The following is an entry in ClinVar:

ClinVar aggregate classification (germline): Likely pathogenic (1 of 4 stars; one submission).

Conditions:
Hereditary cancer-predisposing syndrome. Also called: Tumor predisposition; Neoplastic Syndromes, Hereditary; Hereditary neoplastic syndrome; Hereditary Cancer Syndrome. Identifiers: Orphanet 140162, MedGen C0027672, MeSH D009386, MONDO:0015356.

Submission:

Women's Health and Genetics/Laboratory Corporation of America, LabCorp
Classification: Likely pathogenic for Hereditary cancer-predisposing syndrome. Last evaluated: 2017-01-25. Review status: criteria provided, single submitter. Criteria: LabCorp Variant Classification Summary - May 2015. Collection method: clinical testing. Allele origin: germline.
Comment: Variant summary: The RB1 c.1400_1403dupGATT (p.Ser469Ilefs) variant results in a premature termination codon, predicted to cause a truncated or absent RB1 protein due to nonsense mediated decay (NMD), which are commonly known mechanisms for disease. If this variant escapes NMD, it is expected to truncate Retinoblastoma-associated protein, A-box, Retinoblastoma-associated protein, B-box and Retinoblastoma-associated protein, C-terminal (via InterPro). Truncations downstream of this position have been classified as pathogenic clinical laboratories in ClinVar (e.g. p.Gln504Ter, p.Trp563Ter, p.Gln850Ter, etc.). This variant is absent in 24658 control chromosomes from ExAC. In LOVD-RB database, this variant is reported as a germline variant in one RB patient is classified as pathogenic. It has not been reported via publications, to our knowledge. Taken together, this variant is classified as likely pathogenic.

NM_000321.3(RB1):c.1400_1403dup (p.Ser469fs)

Gene: RB1 (RB transcriptional corepressor 1; plus strand). Cytogenetic location: 13q14.2.
Variant type: Duplication.
Coding change: c.1400_1403dup on transcript NM_000321.3 (MANE Select); coding-DNA positions 1400 to 1403, 4 bases duplicated (GATT; older notation c.1400_1403dupGATT).
Protein change: p.Ser469fs; shifts the reading frame from serine 469.
Molecular consequence: frameshift variant.
Genome position (GRCh38, 1-based): chr13:48,380,063-48,380,066, GATT duplicated. VCF-style (leftmost placement, unchanged base first): chr13-48380062-C-CGATT. GRCh37 (hg19) VCF-style: chr13-48954198-C-CGATT.
Other names: c.1400_1403dupGATT (NM_000321.2); short protein forms S469fs.
Identifiers: ClinVar variation 495817 (VCV000495817.1), dbSNP rs1555286570, ClinGen allele CA658683872.